The following is an entry in ClinVar:

NM_052947.4(ALPK2):c.5456T>G (p.Ile1819Ser)

Gene: ALPK2 (alpha kinase 2; minus strand). Cytogenetic location: 18q21.31.
Variant type: single nucleotide variant.
Coding change: c.5456T>G on transcript NM_052947.4 (MANE Select); coding-DNA position 5456, T replaced by G.
Protein change: p.Ile1819Ser; replaces isoleucine 1819 with serine.
Molecular consequence: missense variant.
Genome position (GRCh38, 1-based): chr18:58,529,136, A>C on the plus strand (T>G on the coding strand, the complement: ALPK2 is on the minus strand). VCF-style: chr18-58529136-A-C. GRCh37 (hg19) VCF-style: chr18-56196368-A-C.
Other names: short protein forms I1819S.
Identifiers: ClinVar variation 1747639 (VCV001747639.2), dbSNP rs765606827, ClinGen allele CA402553822.

ClinVar aggregate classification (germline): Uncertain significance (1 of 4 stars; one submission).

gnomAD v4.1: 3 of 1,614,126 alleles (0.00019%); highest among the groups gnomAD compares: Non-Finnish European, 0.00025%; no homozygotes.

Submission:

Ambry Genetics
Classification: Uncertain significance. Last evaluated: 2021-12-23. Review status: criteria provided, single submitter. Criteria: Ambry Variant Classification Scheme 2023. Collection method: clinical testing. Allele origin: germline.
Comment: The p.I1819S variant (also known as c.5456T>G), located in coding exon 5 of the ALPK2 gene, results from a T to G substitution at nucleotide position 5456. The isoleucine at codon 1819 is replaced by serine, an amino acid with dissimilar properties. This amino acid position is conserved. In addition, this alteration is predicted to be deleterious by in silico analysis. Since supporting evidence is limited at this time, the clinical significance of this alteration remains unclear.